The following is an entry in ClinVar:

NM_001347721.2(DYRK1A):c.565A>G (p.Asn189Asp)

Gene: DYRK1A (dual specificity tyrosine phosphorylation regulated kinase 1A; plus strand). Cytogenetic location: 21q22.13.
Variant type: single nucleotide variant.
Coding change: c.565A>G on transcript NM_001347721.2 (MANE Select); coding-DNA position 565, A replaced by G.
Protein change: p.Asn189Asp; replaces asparagine 189 with aspartic acid.
Molecular consequence: missense variant.
Genome position (GRCh38, 1-based): chr21:37,486,542, A>G. VCF-style: chr21-37486542-A-G. GRCh37 (hg19) VCF-style: chr21-38858844-A-G.
Other names: c.565A>G, p.Asn189Asp (NM_001347722.2, NM_130436.2); c.478A>G, p.Asn160Asp (NM_001347723.2); c.592A>G, p.Asn198Asp (NM_001396.5, NM_101395.2, NM_130438.2); short protein forms N160D, N189D, N198D.
Identifiers: ClinVar variation 2108720 (VCV002108720.4), dbSNP rs2518010277, ClinGen allele CA409945835.

ClinVar aggregate classification (germline): Uncertain significance (1 of 4 stars; one submission).

Conditions:
DYRK1A-related intellectual disability syndrome (MRD7). Also called: DYRK1A Syndrome; Intellectual developmental disorder, autosomal dominant 7. Identifiers: Orphanet 464306, MedGen C5568143, MONDO:0013578, OMIM 614104.

Submission:

Labcorp Genetics (formerly Invitae), Labcorp
Classification: Uncertain significance for DYRK1A-related intellectual disability syndrome. Last evaluated: 2024-02-23. Review status: criteria provided, single submitter. Criteria: Invitae Variant Classification Sherloc (09022015). Collection method: clinical testing. Allele origin: germline.
Comment: This sequence change replaces asparagine, which is neutral and polar, with aspartic acid, which is acidic and polar, at codon 198 of the DYRK1A protein (p.Asn198Asp). This variant is not present in population databases (gnomAD no frequency). This variant has not been reported in the literature in individuals affected with DYRK1A-related conditions. ClinVar contains an entry for this variant (Variation ID: 2108720). Advanced modeling of protein sequence and biophysical properties (such as structural, functional, and spatial information, amino acid conservation, physicochemical variation, residue mobility, and thermodynamic stability) performed at Invitae indicates that this missense variant is not expected to disrupt DYRK1A protein function with a negative predictive value of 80%. In summary, the available evidence is currently insufficient to determine the role of this variant in disease. Therefore, it has been classified as a Variant of Uncertain Significance.